The following is an entry in ClinVar:

NM_005157.6(ABL1):c.1701C>T (p.Ala567=)

Gene: ABL1 (ABL proto-oncogene 1, non-receptor tyrosine kinase; plus strand). Cytogenetic location: 9q34.12.
Variant type: single nucleotide variant.
Coding change: c.1701C>T on transcript NM_005157.6 (MANE Select); coding-DNA position 1701, C replaced by T.
Protein change: p.Ala567=; no amino-acid change (alanine 567 retained).
Molecular consequence: synonymous variant.
Genome position (GRCh38, 1-based): chr9:130,883,991, C>T. VCF-style: chr9-130883991-C-T. GRCh37 (hg19) VCF-style: chr9-133759378-C-T.
Other names: c.1758C>T, p.Ala586= (NM_007313.3).
Identifiers: ClinVar variation 710631 (VCV000710631.25), dbSNP rs34372796, ClinGen allele CA5285536.
Genomic context (GRCh38, chr9:130,883,991, plus strand): 5'-GTTGTCTGGAGTTGTCAGCTCTTCCCCTTGCGTTTCAGATCCTCTGGACCATGAGCCTGC[C>T]GTGTCTCCATTGCTCCCTCGAAAAGAGCGAGGTCCCCCGGAGGGCGGCCTGAATGAAGAT-3'
Protein context (NP_005148.2, residues 557-577): GESDPLDHEP[Ala567=]VSPLLPRKER

ClinVar aggregate classification (germline): Benign/Likely benign. Review status: criteria provided, multiple submitters, no conflicts (2 of 4 stars). 4 submissions from 4 submitters: Benign (2); Likely benign (2). Last evaluated 2026-08-01.

Allele frequency attached by ClinVar (database versions not stated): 1000 Genomes Project 30x 0.00047; ExAC 0.00187; gnomAD exomes 0.00192; TOPMed 0.00254; gnomAD 0.00261 and 0.00275; ESP Exome Variant Server 0.00331.
gnomAD v4.1: 6,658 of 1,612,888 alleles (0.41%); highest among the groups gnomAD compares: Non-Finnish European, 0.54%; 25 homozygotes.

Submissions (4):

CeGaT Center for Human Genetics Tuebingen
Classification: Likely benign. Last evaluated: 2026-08-01. Review status: criteria provided, single submitter. Criteria: CeGaT Center For Human Genetics Tuebingen Variant Classification Criteria Version 2. Collection method: clinical testing. Allele origin: germline. Affected: yes. Observed: 3 variant alleles.
Comment: ABL1: BP4, BP7, BS2

Labcorp Genetics (formerly Invitae), Labcorp
Classification: Benign. Last evaluated: 2026-02-01. Review status: criteria provided, single submitter. Criteria: Invitae Variant Classification Sherloc (09022015). Collection method: clinical testing. Allele origin: germline.

Blueprint Genetics
Classification: Likely benign. Last evaluated: 2024-11-25. Review status: criteria provided, single submitter. Criteria: ACMG Guidelines, 2015. Collection method: clinical testing. Allele origin: germline.

Breakthrough Genomics
Classification: Benign. Review status: criteria provided, single submitter. Criteria: ACMG Guidelines, 2015. Collection method: not provided. Allele origin: germline. Inheritance: Autosomal dominant inheritance. Affected: yes.